The following is an entry in ClinVar:

NM_002539.3(ODC1):c.497dup (p.Ser167fs)

Gene: ODC1 (ornithine decarboxylase 1; minus strand). Cytogenetic location: 2p25.1.
Variant type: Duplication.
Coding change: c.497dup on transcript NM_002539.3 (MANE Select); coding-DNA position 497, one base duplicated (T; older notation c.497dupT).
Protein change: p.Ser167fs; shifts the reading frame from serine 167.
Molecular consequence: frameshift variant.
Genome position (GRCh38, 1-based): chr2:10,443,789, A duplicated on the plus strand (T on the coding strand, the reverse complement: ODC1 is on the minus strand). VCF-style (leftmost placement, unchanged base first): chr2-10443788-G-GA. GRCh37 (hg19) VCF-style: chr2-10583914-G-GA.
Other names: c.110dup, p.Ser38fs (NM_001287188.2); c.497dup, p.Ser167fs (NM_001287189.2, NM_001287190.2); short protein forms S167fs, S38fs.
Identifiers: ClinVar variation 1343887 (VCV001343887.4), dbSNP rs2148069469, ClinGen allele CA2573051637.

ClinVar aggregate classification (germline): Uncertain significance (1 of 4 stars; one submission).

Submission:

GeneDx
Classification: Uncertain significance. Last evaluated: 2023-08-22. Review status: criteria provided, single submitter. Criteria: GeneDx Variant Classification Process June 2021. Collection method: clinical testing. Allele origin: germline. Affected: yes.
Comment: Not observed at significant frequency in large population cohorts (gnomAD); Frameshift variant predicted to result in protein truncation or nonsense mediated decay in a gene or region of a gene for which loss of function is not a well-established mechanism of disease; Has not been previously published as pathogenic or benign to our knowledge